The following is an entry in ClinVar:

NM_001853.4(COL9A3):c.1798G>A (p.Asp600Asn)

Gene: COL9A3 (collagen type IX alpha 3 chain; plus strand). Cytogenetic location: 20q13.33.
Variant type: single nucleotide variant.
Coding change: c.1798G>A on transcript NM_001853.4 (MANE Select); coding-DNA position 1798, G replaced by A.
Protein change: p.Asp600Asn; replaces aspartic acid 600 with asparagine.
Molecular consequence: missense variant.
Genome position (GRCh38, 1-based): chr20:62,838,695, G>A. VCF-style: chr20-62838695-G-A. GRCh37 (hg19) VCF-style: chr20-61470047-G-A.
Other names: short protein forms D600N.
Identifiers: ClinVar variation 1383734 (VCV001383734.6), dbSNP rs2063653170, ClinGen allele CA409600096.

ClinVar aggregate classification (germline): Uncertain significance (1 of 4 stars; one submission).

Submission:

Labcorp Genetics (formerly Invitae), Labcorp
Classification: Uncertain significance. Last evaluated: 2022-06-27. Review status: criteria provided, single submitter. Criteria: Invitae Variant Classification Sherloc (09022015). Collection method: clinical testing. Allele origin: germline.
Comment: Advanced modeling of protein sequence and biophysical properties (such as structural, functional, and spatial information, amino acid conservation, physicochemical variation, residue mobility, and thermodynamic stability) performed at Invitae indicates that this missense variant is not expected to disrupt COL9A3 protein function. In summary, the available evidence is currently insufficient to determine the role of this variant in disease. Therefore, it has been classified as a Variant of Uncertain Significance. This variant has not been reported in the literature in individuals affected with COL9A3-related conditions. This variant is not present in population databases (gnomAD no frequency). This sequence change replaces aspartic acid, which is acidic and polar, with asparagine, which is neutral and polar, at codon 600 of the COL9A3 protein (p.Asp600Asn).